The following is an entry in ClinVar:

ClinVar aggregate classification (germline): Uncertain significance (1 of 4 stars; one submission).

Allele frequency attached by ClinVar (database versions not stated): gnomAD 0.00001; TOPMed 0.00001.
gnomAD v4.1: 1 of 1,613,786 alleles (0.000062%); highest among the groups gnomAD compares: Non-Finnish European, 0.000085%; no homozygotes.

Submission:

GeneDx
Classification: Uncertain significance. Last evaluated: 2022-09-26. Review status: criteria provided, single submitter. Criteria: GeneDx Variant Classification Process June 2021. Collection method: clinical testing. Allele origin: germline. Affected: yes.
Comment: Not observed at significant frequency in large population cohorts (gnomAD); In silico analysis supports that this missense variant has a deleterious effect on protein structure/function; Has not been previously published as pathogenic or benign to our knowledge

NM_021224.6(ZNF462):c.6215A>G (p.His2072Arg)

Gene: ZNF462 (zinc finger protein 462; plus strand). Cytogenetic location: 9q31.2.
Variant type: single nucleotide variant.
Coding change: c.6215A>G on transcript NM_021224.6 (MANE Select); coding-DNA position 6215, A replaced by G.
Protein change: p.His2072Arg; replaces histidine 2072 with arginine.
Molecular consequence: missense variant.
Genome position (GRCh38, 1-based): chr9:106,935,601, A>G. VCF-style: chr9-106935601-A-G. GRCh37 (hg19) VCF-style: chr9-109697882-A-G.
Other names: c.3620A>G, p.His1207Arg (NM_001347997.2); short protein forms H1207R, H2072R.
Identifiers: ClinVar variation 2446325 (VCV002446325.1), dbSNP rs928667648, ClinGen allele CA197497286.